The following is an entry in ClinVar:

ClinVar aggregate classification (germline): Benign. Review status: criteria provided, multiple submitters, no conflicts (2 of 4 stars). 2 submissions from 2 submitters: Benign (2). Last evaluated 2018-01-13.

Conditions:
Autosomal dominant Parkinson disease 8. Also called: Parkinson disease 8, susceptibility to; LRRK2-Related Parkinson Disease; Parkinson disease 8. Identifiers: Orphanet 411602, MedGen C1846862, MONDO:0011764, OMIM 607060.

Allele frequency attached by ClinVar (database versions not stated): TOPMed 0.59733; 1000 Genomes Project 30x 0.55059; gnomAD 0.61834 and 0.61619; gnomAD exomes 0.63514; 1000 Genomes Project 0.55132.
gnomAD v4.1: 93,410 of 151,550 alleles (62%); highest among the groups gnomAD compares: Non-Finnish European, 67%; 29,197 homozygotes.

Submissions (2):

Illumina Laboratory Services, Illumina
Classification: Benign for Autosomal dominant Parkinson disease 8. Last evaluated: 2018-01-13. Review status: criteria provided, single submitter. Criteria: ICSL Variant Classification Criteria 13 December 2019. Collection method: clinical testing. Allele origin: germline.
Comment: This variant was observed in the ICSL laboratory as part of a predisposition screen in an ostensibly healthy population. It had not been previously curated by ICSL or reported in the Human Gene Mutation Database (HGMD: prior to June 1st, 2018), and was therefore a candidate for classification through an automated scoring system. Utilizing variant allele frequency, disease prevalence and penetrance estimates, and inheritance mode, an automated score was calculated to assess if this variant is too frequent to cause the disease. Based on the score and internal cut-off values, a variant classified as benign is not then subjected to further curation. The score for this variant resulted in a classification of benign for this disease.

Breakthrough Genomics
Classification: Benign. Review status: criteria provided, single submitter. Criteria: ACMG Guidelines, 2015. Collection method: not provided. Allele origin: germline. Inheritance: Autosomal dominant inheritance. Affected: yes.

NM_198578.4(LRRK2):c.*736G>C

Gene: LRRK2 (leucine rich repeat kinase 2; plus strand). Cytogenetic location: 12q12.
Variant type: single nucleotide variant.
Coding change: c.*736G>C on transcript NM_198578.4 (MANE Select); 736 bases downstream of the stop codon, G replaced by C.
Molecular consequence: 3 prime UTR variant.
Genome position (GRCh38, 1-based): chr12:40,368,501, G>C. VCF-style: chr12-40368501-G-C. GRCh37 (hg19) VCF-style: chr12-40762303-G-C.
Identifiers: ClinVar variation 308662 (VCV000308662.6), dbSNP rs1365770, ClinGen allele CA10632703.